The following is an entry in ClinVar:

ClinVar aggregate classification (germline): Likely pathogenic (1 of 4 stars; one submission).

Conditions:
Mucopolysaccharidosis, MPS-III-B (MPS3B). Also called: N-ACETYL-ALPHA-D-GLUCOSAMINIDASE DEFICIENCY; NAGLU DEFICIENCY; SANFILIPPO SYNDROME B; MPS III B; Mucopolysaccharidosis type IIIB (Sanfilippo B); MPS IIIB (Sanfilippo Syndrome Type B). Identifiers: Orphanet 79270, MedGen C0086648, MONDO:0009656, OMIM 252920.
Charcot-Marie-Tooth disease axonal type 2V. Also called: CHARCOT-MARIE-TOOTH NEUROPATHY, TYPE 2V; CHARCOT-MARIE-TOOTH DISEASE, AXONAL, AUTOSOMAL DOMINANT, TYPE 2V. Identifiers: Orphanet 447964, MedGen C5569050, MONDO:0014665, OMIM 616491.

Submission:

Labcorp Genetics (formerly Invitae), Labcorp
Classification: Likely pathogenic for Charcot-Marie-Tooth disease axonal type 2V; Mucopolysaccharidosis, MPS-III-B. Last evaluated: 2025-08-21. Review status: criteria provided, single submitter. Criteria: Invitae Variant Classification Sherloc (09022015). Collection method: clinical testing. Allele origin: germline.
Comment: This sequence change replaces phenylalanine, which is neutral and non-polar, with valine, which is neutral and non-polar, at codon 397 of the NAGLU protein (p.Phe397Val). This variant is not present in population databases (gnomAD no frequency). This missense change has been observed in individual(s) with mucopolysaccharidosis type III (PMID: 35525889). ClinVar contains an entry for this variant (Variation ID: 2054291). Invitae Evidence Modeling of protein sequence and biophysical properties (such as structural, functional, and spatial information, amino acid conservation, physicochemical variation, residue mobility, and thermodynamic stability) indicates that this missense variant is expected to disrupt NAGLU protein function with a positive predictive value of 95%. In summary, the currently available evidence indicates that the variant is pathogenic, but additional data are needed to prove that conclusively. Therefore, this variant has been classified as Likely Pathogenic.

Literature cited by the submitters: PubMed 35525889.

NM_000263.4(NAGLU):c.1189T>G (p.Phe397Val)

Gene: NAGLU (N-acetyl-alpha-glucosaminidase; plus strand). Cytogenetic location: 17q21.2.
Variant type: single nucleotide variant.
Coding change: c.1189T>G on transcript NM_000263.4 (MANE Select); coding-DNA position 1189, T replaced by G.
Protein change: p.Phe397Val; replaces phenylalanine 397 with valine.
Molecular consequence: missense variant.
Genome position (GRCh38, 1-based): chr17:42,543,195, T>G. VCF-style: chr17-42543195-T-G. GRCh37 (hg19) VCF-style: chr17-40695213-T-G.
Other names: short protein forms F397V.
Identifiers: ClinVar variation 2054291 (VCV002054291.4), dbSNP rs2510659111, ClinGen allele CA399601360.